The following is an entry in ClinVar:

ClinVar aggregate classification (germline): Uncertain significance. Review status: criteria provided, multiple submitters, no conflicts (2 of 4 stars). 3 submissions from 3 submitters: Uncertain significance (3). Last evaluated 2025-04-12.

Conditions:
Inborn genetic diseases. Identifiers: MedGen C0950123, MeSH D030342.
Charcot-Marie-Tooth disease type 2. Also called: Charcot-Marie-Tooth type 2. Identifiers: Orphanet 64746, MedGen C0270914, MONDO:0018993.

Allele frequency attached by ClinVar (database versions not stated): gnomAD exomes 0.00012 and 0.00010; ExAC 0.00014; ESP Exome Variant Server 0.00015; 1000 Genomes Project 0.00020; gnomAD 0.00036 and 0.00033; 1000 Genomes Project 30x 0.00031; TOPMed 0.00042.
gnomAD v4.1: 215 of 1,611,528 alleles (0.013%); highest among the groups gnomAD compares: African/African-American, 0.11%; 1 homozygote.

Submissions (3):

Ambry Genetics
Classification: Uncertain significance for Inborn genetic diseases. Last evaluated: 2025-04-12. Review status: criteria provided, single submitter. Criteria: Ambry Variant Classification Scheme 2023. Collection method: clinical testing. Allele origin: germline.

Labcorp Genetics (formerly Invitae), Labcorp
Classification: Uncertain significance for Charcot-Marie-Tooth disease type 2. Last evaluated: 2022-08-31. Review status: criteria provided, single submitter. Criteria: Invitae Variant Classification Sherloc (09022015). Collection method: clinical testing. Allele origin: germline.
Comment: This sequence change replaces valine, which is neutral and non-polar, with methionine, which is neutral and non-polar, at codon 227 of the MED25 protein (p.Val227Met). This variant is present in population databases (rs369825113, gnomAD 0.08%). This variant has not been reported in the literature in individuals affected with MED25-related conditions. ClinVar contains an entry for this variant (Variation ID: 574168). Algorithms developed to predict the effect of missense changes on protein structure and function are either unavailable or do not agree on the potential impact of this missense change (SIFT: "Deleterious"; PolyPhen-2: "Probably Damaging"; Align-GVGD: "Class C0"). In summary, the available evidence is currently insufficient to determine the role of this variant in disease. Therefore, it has been classified as a Variant of Uncertain Significance.

GeneDx
Classification: Uncertain significance. Last evaluated: 2022-01-10. Review status: criteria provided, single submitter. Criteria: GeneDx Variant Classification Process June 2021. Collection method: clinical testing. Allele origin: germline. Affected: yes.
Comment: Has not been previously published as pathogenic or benign to our knowledge; In silico analysis supports that this missense variant does not alter protein structure/function

NM_030973.4(MED25):c.679G>A (p.Val227Met)

Gene: MED25 (mediator complex subunit 25; plus strand). Cytogenetic location: 19q13.33.
Variant type: single nucleotide variant.
Coding change: c.679G>A on transcript NM_030973.4 (MANE Select); coding-DNA position 679, G replaced by A.
Protein change: p.Val227Met; replaces valine 227 with methionine.
Molecular consequence: missense variant.
Genome position (GRCh38, 1-based): chr19:49,829,939, G>A. VCF-style: chr19-49829939-G-A. GRCh37 (hg19) VCF-style: chr19-50333196-G-A.
Other names: c.679G>A, p.Val227Met (NM_001378355.1); short protein forms V227M.
Identifiers: ClinVar variation 574168 (VCV000574168.11), dbSNP rs369825113, ClinGen allele CA9584954.